The following continues an entry in ClinVar:

NM_001101.5(ACTB):c.547C>T (p.Arg183Trp)

Gene: ACTB. ClinVar aggregate classification (germline): Pathogenic. Pathogenic (15).

Submissions 11 to 17 of 17:

Victorian Clinical Genetics Services, Murdoch Childrens Research Institute
Classification: Pathogenic for Developmental malformations-deafness-dystonia syndrome. Last evaluated: 2021-05-06. Review status: criteria provided, single submitter. Criteria: ACMG Guidelines, 2015. Collection method: clinical testing. Allele origin: germline. Inheritance: Autosomal dominant inheritance. Affected: yes.
Comment: Based on the classification scheme VCGS_Germline_v1.3.4, this variant is classified as Pathogenic. Following criteria are met: 0103 - Complex loss of function and gain of function are known mechanisms of disease in this gene associated with dystonia (MIM#607371). Additionally, dominant-negative has also been suggested (PMIDs: 25255767, 16685646). (I) 0107 - This gene is associated with autosomal dominant disease. (I) 0200 - Variant is predicted to result in a missense amino acid change from arginine to tryptophan. (I) 0251 - This variant is heterozygous. (I) 0301 - Variant is absent from gnomAD (both v2 and v3). (SP) 0501 - Missense variant consistently predicted to be damaging by multiple in silico tools or highly conserved with a major amino acid change. (SP) 0600 - Variant is located in the annotated N-terminally processed cytplasmic 1 actin chain (UniProt). (I) 0801 - This variant has strong previous evidence of pathogenicity in unrelated individuals. This variant has consistently been reported in individuals with dystonia, bilateral hearing loss and/or intellectual disability and has been classified as pathogenic by clinical diagnostic laboratories (PMIDs: 16685646, 28487785, 29788902, 33446253, 30315159; ClinVar). (SP) 1002 - This variant has moderate functional evidence supporting abnormal protein function. Patient EBV-transformed lymphoblastoid cells demonstrated defects in cell morphology, less effective depolymerisation of actin cytoskeleton and resistance to lactrunculin A, an actin-monomer sequestering drug, compared control lymphoblastoid cells (PMID: 16685646). (SP) 1207 - Parental origin of the variant is unresolved. (I) Legend: (SP) - Supporting pathogenic, (I) - Information, (SB) - Supporting benign

Laboratory of Medical Genetics, National & Kapodistrian University of Athens
Classification: Pathogenic for Baraitser-Winter syndrome 1. Last evaluated: 2019-01-11. Review status: criteria provided, single submitter. Criteria: ACMG Guidelines, 2015. Collection method: clinical testing. Allele origin: de novo. Affected: yes.
Comment: PS2, PM2, PP2, PP3, PP4, PP5

Ambry Genetics
Classification: Pathogenic for Inborn genetic diseases. Last evaluated: 2017-04-03. Review status: criteria provided, single submitter. Criteria: Ambry exome assertion method (8-5-2015). Collection method: clinical testing. Allele origin: germline. Affected: yes. Observed: 1 variant allele.

Genetic Services Laboratory, University of Chicago
Classification: Pathogenic for Baraitser-Winter syndrome 1. Last evaluated: 2016-09-27. Review status: criteria provided, single submitter. Criteria: ACMG Guidelines, 2015. Collection method: clinical testing. Allele origin: germline. Affected: yes.

Juno Genomics, Hangzhou Juno Genomics, Inc
Classification: Pathogenic for Baraitser-Winter syndrome 1. Review status: criteria provided, single submitter. Criteria: ACMG Guidelines, 2015. Collection method: clinical testing. Allele origin: germline. Affected: yes.
Comment: Absent from controls (or at extremely low frequency if recessive) in Genome Aggregation Database.;Missense variant in a gene that has a low rate of benign missense variation.;Well-established in vitro or in vivo functional studies supportive of a damaging effect on the gene or gene product.;De novo (both maternity and paternity confirmed) in a patient with the disease and no family history.;Patient's phenotype or family history is highly specific for a disease with a single genetic etiology.;The prevalence of the variant in affected individuals is significantly increased compared to the prevalence in controls.

OMIM
Classification: Pathogenic for DYSTONIA-DEAFNESS SYNDROME 1. Last evaluated: 2012-02-26. Review status: no assertion criteria provided. Collection method: literature only. Allele origin: germline. Not counted in ClinVar's aggregate classification.

GeneReviews
No classification provided. Condition: Developmental malformations-deafness-dystonia syndrome. Review status: no classification provided. Collection method: literature only. Allele origin: germline. Affected: yes. Not counted in ClinVar's aggregate classification.
Comment: Associated with the BWCFF syndrome phenotype with early onset, progressive dystonia, and progressive esophageal achalasia.

Literature cited by the submitters: PubMed 16685646 (cited by 8 submitters); PubMed 28849312 (cited by 3 submitters); PubMed 33446253 (cited by Labcorp Genetics (formerly Invitae), Labcorp and Victorian Clinical Genetics Services, Murdoch Childrens Research Institute); PubMed 25255767 (cited by 4 submitters); PubMed 27862284 (cited by Molecular Genetics, Royal Melbourne Hospital); PubMed 28487785 (cited by 5 submitters); PubMed 29788902 (cited by 5 submitters); PubMed 31970217 (cited by 4 submitters); PubMed 2786228 (cited by Pittsburgh Clinical Genomics Laboratory, University of Pittsburgh Medical Center); PubMed 26583190 (cited by Dasa); PubMed 9714430 (cited by Dasa); PubMed 30315159 (cited by Victorian Clinical Genetics Services, Murdoch Childrens Research Institute); PubMed 12325076 (cited by 3 submitters); PubMed 22366783 (cited by OMIM); PubMed 35005077 (cited by OMIM); NCBI Bookshelf NBK327153 (cited by GeneReviews).